The following continues an entry in ClinVar:

NM_000051.4(ATM):c.742C>T (p.Arg248Ter)

Gene: ATM. ClinVar aggregate classification (germline): Pathogenic. Pathogenic (14).

Submissions 12 to 17 of 17:

Human Genome Sequencing Center Clinical Lab, Baylor College of Medicine
Classification: Pathogenic for Familial cancer of breast. Last evaluated: 2017-05-24. Review status: criteria provided, single submitter. Criteria: ACMG Guidelines, 2015. Collection method: clinical testing. Allele origin: germline.
Comment: This c.742C>T (p.Arg248*) variant in the ATM gene has previously been reported in two Japanese patients with ataxia telangiectasia [PMID 9711876]. Both patients were compound heterozygous for this variant and a loss of function variant [PMID 9711876]. This c.742C>T encodes for a premature stop codon in exon 7 at amino acid position 248 of the ATM protein, leading to a loss of function of the protein. This variant has been observed in one heterozygous East Asian individual in the ExAC database. It is thus classified as a pathogenic variant.

Fulgent Genetics
Classification: Pathogenic for Familial cancer of breast; Ataxia-telangiectasia syndrome. Last evaluated: 2017-05-18. Review status: criteria provided, single submitter. Criteria: ACMG Guidelines, 2015. Collection method: clinical testing. Allele origin: unknown.

Juno Genomics, Hangzhou Juno Genomics, Inc
Classification: Pathogenic for Familial cancer of breast; Ataxia-telangiectasia syndrome. Review status: criteria provided, single submitter. Criteria: ACMG Guidelines, 2015. Collection method: clinical testing. Allele origin: germline.
Comment: Absent from controls (or at extremely low frequency if recessive) in Genome Aggregation Database.;Null variant in a gene where loss of function (LOF) is a known mechanism of disease.;For recessive disorders, detected in trans with a pathogenic variant.;The prevalence of the variant in affected individuals is significantly increased compared to the prevalence in controls.

Laboratory for Genotyping Development, RIKEN
Classification: Pathogenic for Gastric cancer. Last evaluated: 2021-07-01. Review status: no assertion criteria provided. Collection method: research. Allele origin: germline. Not counted in ClinVar's aggregate classification.

Department of Rehabilitation Medicine, Incheon St. Mary’s Hospital, College of Medicine, The Catholic University of Korea
Classification: Pathogenic for Ataxia-telangiectasia syndrome. Last evaluated: 2019-11-20. Review status: no assertion criteria provided. Collection method: clinical testing. Allele origin: paternal. Inheritance: Autosomal recessive inheritance. Affected: yes. Observed: 1 compound heterozygote. Not counted in ClinVar's aggregate classification.

Counsyl
Classification: Likely pathogenic for Ataxia-telangiectasia syndrome. Last evaluated: 2015-11-20. Review status: no assertion criteria provided. Collection method: clinical testing. Allele origin: unknown. Not counted in ClinVar's aggregate classification.

Literature cited by the submitters: PubMed 23807571 (cited by Labcorp Genetics (formerly Invitae), Labcorp); PubMed 25614872 (cited by Labcorp Genetics (formerly Invitae), Labcorp); PubMed 9711876 (cited by 6 submitters); PubMed 16266405 (cited by 5 submitters); PubMed 26681312 (cited by 4 submitters); PubMed 27433846 (cited by 4 submitters); PubMed 28281021 (cited by Labcorp Genetics (formerly Invitae), Labcorp and Color Diagnostics, LLC DBA Color Health); PubMed 34404412 (cited by Natera, Inc. and Color Diagnostics, LLC DBA Color Health); PubMed 30402232 (cited by Color Diagnostics, LLC DBA Color Health and Women's Health and Genetics/Laboratory Corporation of America, LabCorp); PubMed 21665257 (cited by Women's Health and Genetics/Laboratory Corporation of America, LabCorp); PubMed 36988593 (cited by Laboratory for Genotyping Development, RIKEN); PubMed 25525159 (cited by Counsyl).